The following is an entry in ClinVar:

NM_000234.3(LIG1):c.185G>A (p.Arg62Gln)

Gene: LIG1 (DNA ligase 1; minus strand). Cytogenetic location: 19q13.33.
Variant type: single nucleotide variant.
Coding change: c.185G>A on transcript NM_000234.3 (MANE Select); coding-DNA position 185, G replaced by A.
Protein change: p.Arg62Gln; replaces arginine 62 with glutamine.
Molecular consequence: missense variant. On other transcripts: non-coding transcript variant (6).
Genome position (GRCh38, 1-based): chr19:48,161,430, C>T on the plus strand (G>A on the coding strand, the complement: LIG1 is on the minus strand). VCF-style: chr19-48161430-C-T. GRCh37 (hg19) VCF-style: chr19-48664687-C-T.
Other names: c.185G>A (NM_000234.1); c.95G>A, p.Arg32Gln (NM_001289063.2, NM_001320971.2); c.185G>A, p.Arg62Gln (NM_001289064.2, NM_001320970.2); short protein forms R32Q, R62Q.
Identifiers: ClinVar variation 1388508 (VCV001388508.6), dbSNP rs1477748323, ClinGen allele CA406642901.

ClinVar aggregate classification (germline): Uncertain significance. Review status: criteria provided, multiple submitters, no conflicts (2 of 4 stars). 2 submissions from 2 submitters: Uncertain significance (2). Last evaluated 2025-10-15.

Allele frequency attached by ClinVar (database versions not stated): gnomAD 0.00001; gnomAD exomes 0.00002; TOPMed 0.00003.

Submissions (2):

Labcorp Genetics (formerly Invitae), Labcorp
Classification: Uncertain significance. Last evaluated: 2025-10-15. Review status: criteria provided, single submitter. Criteria: Invitae Variant Classification Sherloc (09022015). Collection method: clinical testing. Allele origin: germline.
Comment: This sequence change replaces arginine, which is basic and polar, with glutamine, which is neutral and polar, at codon 62 of the LIG1 protein (p.Arg62Gln). This variant is present in population databases (no rsID available, gnomAD 0.007%). This variant has not been reported in the literature in individuals affected with LIG1-related conditions. ClinVar contains an entry for this variant (Variation ID: 1388508). An algorithm developed to predict the effect of missense changes on protein structure and function outputs the following: PolyPhen-2: "Benign". The glutamine amino acid residue is found in multiple mammalian species, which suggests that this missense change does not adversely affect protein function. In summary, the available evidence is currently insufficient to determine the role of this variant in disease. Therefore, it has been classified as a Variant of Uncertain Significance.

Ambry Genetics
Classification: Uncertain significance. Last evaluated: 2025-06-03. Review status: criteria provided, single submitter. Criteria: Ambry Variant Classification Scheme 2023. Collection method: clinical testing. Allele origin: germline.